The following is an entry in ClinVar:

ClinVar aggregate classification (germline): Uncertain significance. Review status: criteria provided, multiple submitters, no conflicts (2 of 4 stars). 3 submissions from 3 submitters: Uncertain significance (3). Last evaluated 2025-07-22.

Conditions:
Hereditary cancer-predisposing syndrome. Also called: Hereditary neoplastic syndrome; Neoplastic Syndromes, Hereditary; Tumor predisposition; Hereditary Cancer Syndrome. Identifiers: Orphanet 140162, MedGen C0027672, MeSH D009386, MONDO:0015356.
Multiple endocrine neoplasia, type 2 (MEN2). Identifiers: Orphanet 653, MedGen C4048306, MONDO:0019003. Disease mechanism: gain of function.

Allele frequency attached by ClinVar (database versions not stated): TOPMed 0.00001; gnomAD 0.00002.

Submissions (3):

Labcorp Genetics (formerly Invitae), Labcorp
Classification: Uncertain significance for Multiple endocrine neoplasia, type 2. Last evaluated: 2025-07-22. Review status: criteria provided, single submitter. Criteria: Invitae Variant Classification Sherloc (09022015). Collection method: clinical testing. Allele origin: germline.
Comment: This sequence change replaces asparagine, which is neutral and polar, with histidine, which is basic and polar, at codon 950 of the RET protein (p.Asn950His). This variant is present in population databases (no rsID available, gnomAD 0.01%). This variant has not been reported in the literature in individuals affected with RET-related conditions. ClinVar contains an entry for this variant (Variation ID: 2050341). An algorithm developed to predict the effect of missense changes on protein structure and function (PolyPhen-2) suggests that this variant is likely to be disruptive. In summary, the available evidence is currently insufficient to determine the role of this variant in disease. Therefore, it has been classified as a Variant of Uncertain Significance.

GeneDx
Classification: Uncertain significance. Last evaluated: 2025-06-03. Review status: criteria provided, single submitter. Criteria: GeneDx Variant Classification Process June 2021. Collection method: clinical testing. Allele origin: germline. Affected: yes.
Comment: Not observed at significant frequency in large population cohorts (gnomAD); In silico analysis supports that this missense variant has a deleterious effect on protein structure/function; Has not been previously published as pathogenic or benign to our knowledge; This variant is associated with the following publications: (PMID: 14633923)

Ambry Genetics
Classification: Uncertain significance for Hereditary cancer-predisposing syndrome. Last evaluated: 2025-03-17. Review status: criteria provided, single submitter. Criteria: Ambry Variant Classification Scheme 2023. Collection method: clinical testing. Allele origin: germline.
Comment: The p.N950H variant (also known as c.2848A>C), located in coding exon 17 of the RET gene, results from an A to C substitution at nucleotide position 2848. The asparagine at codon 950 is replaced by histidine, an amino acid with similar properties. This amino acid position is well conserved in available vertebrate species. In addition, the in silico prediction for this alteration is inconclusive. Based on the available evidence, the clinical significance of this variant remains unclear.

NM_020975.6(RET):c.2848A>C (p.Asn950His)

Gene: RET (ret proto-oncogene; plus strand). Cytogenetic location: 10q11.21.
Variant type: single nucleotide variant.
Coding change: c.2848A>C on transcript NM_020975.6 (MANE Select); coding-DNA position 2848, A replaced by C.
Protein change: p.Asn950His; replaces asparagine 950 with histidine.
Molecular consequence: missense variant.
Genome position (GRCh38, 1-based): chr10:43,123,717, A>C. VCF-style: chr10-43123717-A-C. GRCh37 (hg19) VCF-style: chr10-43619165-A-C.
Other names: c.2848A>C, p.Asn950His (NM_000323.2, NM_001406743.1, NM_001406744.1 and 4 more transcripts); c.2086A>C, p.Asn696His (NM_001355216.2); c.2719A>C, p.Asn907His (NM_001406761.1, NM_001406762.1, NM_001406764.1); c.2713A>C, p.Asn905His (NM_001406763.1, NM_001406765.1); c.2560A>C, p.Asn854His (NM_001406766.1, NM_001406767.1, NM_001406770.1); c.2584A>C, p.Asn862His (NM_001406768.1); c.2452A>C, p.Asn818His (NM_001406769.1, NM_001406772.1); c.2410A>C, p.Asn804His (NM_001406771.1, NM_001406773.1); and 10 more; short protein forms N611H, N620H, N905H, N950H, N606H, N651H, N696H, N804H.
Identifiers: ClinVar variation 2050341 (VCV002050341.8), dbSNP rs959204192, ClinGen allele CA206267374.
Genomic context (GRCh38, chr10:43,123,717, plus strand): 5'-TTCACTCTCTGCAGATGGTCTTTTGGTGTCCTGCTGTGGGAGATCGTGACCCTAGGGGGA[A>C]ACCCCTATCCTGGGATTCCTCCTGAGCGGCTCTTCAACCTTCTGAAGACCGGCCACCGGA-3'
Protein context (NP_066124.1, residues 940-960): LLWEIVTLGG[Asn950His]PYPGIPPERL